The following is an entry in ClinVar:

NM_000406.2(GNRHR):c.-1144T>C

Gene: GNRHR (gonadotropin releasing hormone receptor; minus strand). Cytogenetic location: 4q13.2.
Variant type: single nucleotide variant.
Coding change: c.-1144T>C on transcript NM_000406.2; 1144 bases upstream of the start codon, T replaced by C.
Genome position (GRCh38, 1-based): chr4:67,755,479, A>G on the plus strand (T>C on the coding strand, the complement: GNRHR is on the minus strand). VCF-style: chr4-67755479-A-G. GRCh37 (hg19) VCF-style: chr4-68621197-A-G.
Identifiers: ClinVar variation 349475 (VCV000349475.7), dbSNP rs2062303, ClinGen allele CA10619110.

ClinVar aggregate classification (germline): Benign (1 of 4 stars; one submission).

Conditions:
Hypogonadotropic hypogonadism 7 with or without anosmia (HH7). Also called: HYPOGONADOTROPIC HYPOGONADISM 7 WITHOUT ANOSMIA; GNRHR-Related GnRH Deficiency. Identifiers: Orphanet 432, MedGen C0342384, MONDO:0007794, OMIM 146110.

Allele frequency attached by ClinVar (database versions not stated): TOPMed 0.41394; 1000 Genomes Project 30x 0.43364; 1000 Genomes Project 0.44169; gnomAD 0.44562.

Submission:

Illumina Laboratory Services, Illumina
Classification: Benign for Hypogonadotropic hypogonadism 7 with or without anosmia. Last evaluated: 2018-01-13. Review status: criteria provided, single submitter. Criteria: ICSL Variant Classification Criteria 13 December 2019. Collection method: clinical testing. Allele origin: germline.
Comment: This variant was observed in the ICSL laboratory as part of a predisposition screen in an ostensibly healthy population. It had not been previously curated by ICSL or reported in the Human Gene Mutation Database (HGMD: prior to June 1st, 2018), and was therefore a candidate for classification through an automated scoring system. Utilizing variant allele frequency, disease prevalence and penetrance estimates, and inheritance mode, an automated score was calculated to assess if this variant is too frequent to cause the disease. Based on the score and internal cut-off values, a variant classified as benign is not then subjected to further curation. The score for this variant resulted in a classification of benign for this disease.